The following is an entry in ClinVar:

ClinVar aggregate classification (germline): Uncertain significance. Review status: criteria provided, multiple submitters, no conflicts (2 of 4 stars). 4 submissions from 4 submitters: Uncertain significance (4). Last evaluated 2025-08-20.

Conditions:
Hereditary cancer-predisposing syndrome. Also called: Tumor predisposition; Neoplastic Syndromes, Hereditary; Hereditary Cancer Syndrome; Hereditary neoplastic syndrome. Identifiers: Orphanet 140162, MedGen C0027672, MeSH D009386, MONDO:0015356.
Familial cancer of breast. Also called: Hereditary breast cancer; BREAST CANCER, FAMILIAL; hereditary breast carcinoma. Identifiers: Orphanet 227535, MedGen C0346153, MONDO:0016419, OMIM 114480. Disease mechanism: loss of function.

Allele frequency attached by ClinVar (database versions not stated): gnomAD exomes below 0.00001.
gnomAD v4.1: 1 of 1,613,480 alleles (0.000062%); highest among the groups gnomAD compares: East Asian, 0.0022%; no homozygotes.

Submissions (4):

Ambry Genetics
Classification: Uncertain significance for Hereditary cancer-predisposing syndrome. Last evaluated: 2025-08-20. Review status: criteria provided, single submitter. Criteria: Ambry Variant Classification Scheme 2023. Collection method: clinical testing. Allele origin: germline.
Comment: The p.L436R variant (also known as c.1307T>G), located in coding exon 11 of the CHEK2 gene, results from a T to G substitution at nucleotide position 1307. The leucine at codon 436 is replaced by arginine, an amino acid with dissimilar properties. This alteration has been reported with a carrier frequency of 0.00014 in 7051 unselected women with breast cancer and 0.0000 in 11241 female controls; and with a carrier frequency of 0.0000 in 53 unselected men with breast cancer and 0.0001 in 12490 male controls (Momozawa Y et al. Nat Commun, 2018 10;9:4083). This amino acid position is well conserved in available vertebrate species. In addition, this alteration is predicted to be deleterious by in silico analysis. Since supporting evidence is limited at this time, the clinical significance of this alteration remains unclear.

Labcorp Genetics (formerly Invitae), Labcorp
Classification: Uncertain significance for Familial cancer of breast. Last evaluated: 2025-05-11. Review status: criteria provided, single submitter. Criteria: Invitae Variant Classification Sherloc (09022015). Collection method: clinical testing. Allele origin: germline.
Comment: This sequence change replaces leucine, which is neutral and non-polar, with arginine, which is basic and polar, at codon 436 of the CHEK2 protein (p.Leu436Arg). This variant is not present in population databases (gnomAD no frequency). This missense change has been observed in individual(s) with breast cancer (PMID: 30287823). This variant is also known as c.1436T>G. ClinVar contains an entry for this variant (Variation ID: 240736). An algorithm developed to predict the effect of missense changes on protein structure and function (PolyPhen-2) suggests that this variant is likely to be disruptive. In summary, the available evidence is currently insufficient to determine the role of this variant in disease. Therefore, it has been classified as a Variant of Uncertain Significance.

Color Diagnostics, LLC DBA Color Health
Classification: Uncertain significance for Hereditary cancer-predisposing syndrome. Last evaluated: 2024-12-16. Review status: criteria provided, single submitter. Criteria: ACMG Guidelines, 2015. Collection method: clinical testing. Allele origin: germline.
Comment: This missense variant replaces leucine with arginine at codon 436 of the CHEK2 protein. Computational prediction suggests that this variant may have deleterious impact on protein structure and function. To our knowledge, functional studies have not been reported for this variant. This variant has been reported in an individual affected with breast cancer in the literature (PMID: 30287823). This variant has not been identified in the general population by the Genome Aggregation Database (gnomAD). The available evidence is insufficient to determine the role of this variant in disease conclusively. Therefore, this variant is classified as a Variant of Uncertain Significance.

Quest Diagnostics Nichols Institute San Juan Capistrano
Classification: Uncertain significance. Last evaluated: 2022-12-03. Review status: criteria provided, single submitter. Criteria: Quest Diagnostics criteria. Collection method: clinical testing. Allele origin: unknown.
Comment: It has not been reported in large, multi-ethnic general populations. In the published literature, the variant has been reported in a large breast cancer association study in individuals affected with breast cancer as well as in unaffected individuals (PMID: 30287823 (2018)). Analysis of this variant using bioinformatics tools for the prediction of the effect of amino acid changes on protein structure and function yielded predictions that this variant is damaging. Based on the available information, we are unable to determine the clinical significance of this variant.

Literature cited by the submitters: PubMed 30287823 (cited by 4 submitters).

NM_007194.4(CHEK2):c.1307T>G (p.Leu436Arg)

Gene: CHEK2 (checkpoint kinase 2; minus strand). Cytogenetic location: 22q12.1.
Variant type: single nucleotide variant.
Coding change: c.1307T>G on transcript NM_007194.4 (MANE Select); coding-DNA position 1307, T replaced by G.
Protein change: p.Leu436Arg; replaces leucine 436 with arginine.
Molecular consequence: missense variant.
Genome position (GRCh38, 1-based): chr22:28,695,195, A>C on the plus strand (T>G on the coding strand, the complement: CHEK2 is on the minus strand). VCF-style: chr22-28695195-A-C. GRCh37 (hg19) VCF-style: chr22-29091183-A-C.
Other names: c.1106T>G, p.Leu369Arg (NM_001349956.3); c.1220T>G, p.Leu407Arg (NM_145862.3); c.1436T>G, p.Leu479Arg (NM_001005735.3); c.644T>G, p.Leu215Arg (NM_001257387.3); short protein forms L436R, L479R, L407R, L215R, L369R.
Identifiers: ClinVar variation 240736 (VCV000240736.12), dbSNP rs878854914, ClinGen allele CA10583897.
Genomic context (GRCh38, chr22:28,695,195, plus strand): 5'-GAGACTTCTGCCCAGACTTCAGGAATGAAGTTGTATTTTCCACTGGTGATCTGATCCTTC[A>C]GTGACACTTGAGTCCTATGCTCAGAGAAAGGTGGATACCCACTAAGGCTTAATATTGGTA-3'
Protein context (NP_009125.1, residues 426-446): PFSEHRTQVS[Leu436Arg]KDQITSGKYN